The following is an entry in ClinVar:

NM_181332.3(NLGN4X):c.759G>A (p.Ser253=)

Gene: NLGN4X (neuroligin 4 X-linked; minus strand). Cytogenetic location: Xp22.32.
Variant type: single nucleotide variant.
Coding change: c.759G>A on transcript NM_181332.3 (MANE Select); coding-DNA position 759, G replaced by A.
Protein change: p.Ser253=; no amino-acid change (serine 253 retained).
Molecular consequence: synonymous variant.
Genome position (GRCh38, 1-based): chrX:5,909,106, C>T on the plus strand (G>A on the coding strand, the complement: NLGN4X is on the minus strand). VCF-style: chrX-5909106-C-T. GRCh37 (hg19) VCF-style: chrX-5827147-C-T.
Other names: c.759G>A, p.Ser253= (NM_001282145.2, NM_001282146.2, NM_001441322.1 and 4 more transcripts).
Identifiers: ClinVar variation 4848292 (VCV004848292.1).
Genomic context (GRCh38, chrX:5,909,106, plus strand): 5'-ATTATTACCTTCTGAGTAGTGGGACAGGGTCAACAGGCTGACACAGGAGGCCCCAGCCCC[C>T]GAGCCAAAGATGGTCACTCTCTTGGGGTCCCCGCCAAAGGCTCCCACATTCTCCTCAATC-3'
Protein context (NP_851849.1, residues 243-263): GDPKRVTIFG[Ser253=]GAGASCVSLL

ClinVar aggregate classification (germline): Uncertain significance (1 of 4 stars; one submission).

Submission:

Women's Health and Genetics/Laboratory Corporation of America, LabCorp
Classification: Uncertain significance. Last evaluated: 2026-02-27. Review status: criteria provided, single submitter. Criteria: LabCorp Variant Classification Summary - May 2015. Collection method: clinical testing. Allele origin: germline.
Comment: Variant summary: NLGN4X c.759G>A alters a conserved nucleotide resulting in a synonymous change. Several computational tools predict a significant impact on normal splicing: Three predict the variant creates a 3' acceptor site. However, these predictions have yet to be confirmed by functional studies. The variant allele was found at a frequency of 1.1e-05 in 183213 control chromosomes. The available data on variant occurrences in the general population are insufficient to allow any conclusion about variant significance. To our knowledge, no occurrence of c.759G>A in individuals affected with NLGN4X-related conditions and no experimental evidence demonstrating its impact on protein function have been reported. No submitters have cited clinical-significance assessments for this variant to ClinVar. Based on the evidence outlined above, the variant was classified as uncertain significance.